The following is an entry in ClinVar:

NM_001378120.1(MBD5):c.2177C>T (p.Ser726Leu)

Gene: MBD5 (methyl-CpG binding domain protein 5; plus strand). Cytogenetic location: 2q23.1.
Variant type: single nucleotide variant.
Coding change: c.2177C>T on transcript NM_001378120.1 (MANE Select); coding-DNA position 2177, C replaced by T.
Protein change: p.Ser726Leu; replaces serine 726 with leucine.
Molecular consequence: missense variant.
Genome position (GRCh38, 1-based): chr2:148,470,120, C>T. VCF-style: chr2-148470120-C-T. GRCh37 (hg19) VCF-style: chr2-149227689-C-T.
Other names: c.2177C>T, p.Ser726Leu (NM_018328.5); short protein forms S726L.
Identifiers: ClinVar variation 206051 (VCV000206051.10), dbSNP rs781532539, ClinGen allele CA315760.
Genomic context (GRCh38, chr2:148,470,120, plus strand): 5'-AGTCTATGAGTTGTCAAAGCTCTCACTTGAGTAGCAATAGTACCCCGGGTTGTGGGGCCT[C>T]AAATACTGCTTTGCCTTGCTCTGCTAACCAGCTGCATTTTACAGATCCCAGTATGAACTC-3'
Protein context (NP_001365049.1, residues 716-736): SSNSTPGCGA[Ser726Leu]NTALPCSANQ

ClinVar aggregate classification (germline): Uncertain significance (1 of 4 stars; one submission).

Conditions:
Intellectual developmental disorder, autosomal dominant 1. Also called: Intellectual disability, autosomal dominant 1; MBD5 Haploinsufficiency. Identifiers: Orphanet 228402, MedGen C1969562, MONDO:0007974, OMIM 156200.

Allele frequency attached by ClinVar (database versions not stated): gnomAD below 0.00001 and 0.00001; gnomAD exomes 0.00001; ExAC 0.00002.
gnomAD v4.1: 12 of 1,613,764 alleles (0.00074%); highest among the groups gnomAD compares: South Asian, 0.012%; no homozygotes.

Submission:

Labcorp Genetics (formerly Invitae), Labcorp
Classification: Uncertain significance for Intellectual developmental disorder, autosomal dominant 1. Last evaluated: 2026-01-01. Review status: criteria provided, single submitter. Criteria: Invitae Variant Classification Sherloc (09022015). Collection method: clinical testing. Allele origin: germline.
Comment: This sequence change replaces serine, which is neutral and polar, with leucine, which is neutral and non-polar, at codon 726 of the MBD5 protein (p.Ser726Leu). This variant is present in population databases (rs781532539, gnomAD 0.01%). This variant has not been reported in the literature in individuals affected with MBD5-related conditions. ClinVar contains an entry for this variant (Variation ID: 206051). Invitae Evidence Modeling of protein sequence and biophysical properties (such as structural, functional, and spatial information, amino acid conservation, physicochemical variation, residue mobility, and thermodynamic stability) indicates that this missense variant is not expected to disrupt MBD5 protein function with a negative predictive value of 80%. In summary, the available evidence is currently insufficient to determine the role of this variant in disease. Therefore, it has been classified as a Variant of Uncertain Significance.